The following is an entry in ClinVar:

NM_018344.6(SLC29A3):c.782T>C (p.Met261Thr)

Gene: SLC29A3 (solute carrier family 29 member 3; plus strand). Cytogenetic location: 10q22.1.
Variant type: single nucleotide variant.
Coding change: c.782T>C on transcript NM_018344.6 (MANE Select); coding-DNA position 782, T replaced by C.
Protein change: p.Met261Thr; replaces methionine 261 with threonine.
Molecular consequence: missense variant. On other transcripts: 3 prime UTR variant (1), non-coding transcript variant (2).
Genome position (GRCh38, 1-based): chr10:71,361,962, T>C. VCF-style: chr10-71361962-T-C. GRCh37 (hg19) VCF-style: chr10-73121719-T-C.
Other names: c.*11T>C (NM_001174098.2); c.548T>C, p.Met183Thr (NM_001363518.2); short protein forms M261T, M183T.
Identifiers: ClinVar variation 1407495 (VCV001407495.8), dbSNP rs963639698, ClinGen allele CA209387696.

ClinVar aggregate classification (germline): Uncertain significance (1 of 4 stars; one submission).

Conditions:
H syndrome. Also called: HISTIOCYTOSIS AND LYMPHADENOPATHY WITH OR WITHOUT CUTANEOUS, CARDIAC, AND/OR ENDOCRINE FEATURES, JOINT CONTRACTURES, AND/OR DEAFNESS; HYPERPIGMENTATION, CUTANEOUS, WITH HYPERTRICHOSIS, HEPATOSPLENOMEGALY, HEART ANOMALIES, AND HYPOGONADISM WITH OR WITHOUT HEARING LOSS; PIGMENTED HYPERTRICHOSIS WITH INSULIN-DEPENDENT DIABETES MELLITUS; ROSAI-DORFMAN DISEASE, FAMILIAL; SINUS HISTIOCYTOSIS AND MASSIVE LYMPHADENOPATHY; Hyperpigmentation, Cutaneous, with Hypertrichosis, Hepatosplenomegaly, Heart Anomalies, Hearing Loss, and Hypogonadism. Identifiers: Orphanet 168569, MedGen C1864445, MONDO:0011273, OMIM 602782.

Allele frequency attached by ClinVar (database versions not stated): gnomAD exomes 0.00001.

Submission:

Labcorp Genetics (formerly Invitae), Labcorp
Classification: Uncertain significance for H syndrome. Last evaluated: 2022-08-09. Review status: criteria provided, single submitter. Criteria: Invitae Variant Classification Sherloc (09022015). Collection method: clinical testing. Allele origin: germline.
Comment: This sequence change replaces methionine, which is neutral and non-polar, with threonine, which is neutral and polar, at codon 261 of the SLC29A3 protein (p.Met261Thr). This variant is present in population databases (no rsID available, gnomAD 0.006%). This variant has not been reported in the literature in individuals affected with SLC29A3-related conditions. ClinVar contains an entry for this variant (Variation ID: 1407495). Algorithms developed to predict the effect of missense changes on protein structure and function are either unavailable or do not agree on the potential impact of this missense change (SIFT: "Deleterious"; PolyPhen-2: "Possibly Damaging"; Align-GVGD: "Class C0"). In summary, the available evidence is currently insufficient to determine the role of this variant in disease. Therefore, it has been classified as a Variant of Uncertain Significance.